The following is an entry in ClinVar:

ClinVar aggregate classification (germline): Uncertain significance (1 of 4 stars; one submission).

Conditions:
Tuberous sclerosis 2 (TSC2). Identifiers: Orphanet 805, MedGen C1860707, MONDO:0013199, OMIM 613254.

Submission:

Labcorp Genetics (formerly Invitae), Labcorp
Classification: Uncertain significance for Tuberous sclerosis 2. Last evaluated: 2022-02-19. Review status: criteria provided, single submitter. Criteria: Invitae Variant Classification Sherloc (09022015). Collection method: clinical testing. Allele origin: germline.
Comment: Advanced modeling of protein sequence and biophysical properties (such as structural, functional, and spatial information, amino acid conservation, physicochemical variation, residue mobility, and thermodynamic stability) performed at Invitae indicates that this missense variant is not expected to disrupt TSC2 protein function. In summary, the available evidence is currently insufficient to determine the role of this variant in disease. Therefore, it has been classified as a Variant of Uncertain Significance. ClinVar contains an entry for this variant (Variation ID: 948447). This variant has not been reported in the literature in individuals affected with TSC2-related conditions. This variant is not present in population databases (gnomAD no frequency). This sequence change replaces serine, which is neutral and polar, with threonine, which is neutral and polar, at codon 421 of the TSC2 protein (p.Ser421Thr).

NM_000548.5(TSC2):c.1261T>A (p.Ser421Thr)

Gene: TSC2 (TSC complex subunit 2; plus strand). Cytogenetic location: 16p13.3.
Variant type: single nucleotide variant.
Coding change: c.1261T>A on transcript NM_000548.5 (MANE Select); coding-DNA position 1261, T replaced by A.
Protein change: p.Ser421Thr; replaces serine 421 with threonine.
Molecular consequence: missense variant.
Genome position (GRCh38, 1-based): chr16:2,062,500, T>A. VCF-style: chr16-2062500-T-A. GRCh37 (hg19) VCF-style: chr16-2112501-T-A.
Other names: c.1261T>A, p.Ser421Thr (NM_001077183.3, NM_001114382.3, NM_001363528.2 and 3 more transcripts); c.1150T>A, p.Ser384Thr (NM_001318827.2); c.1114T>A, p.Ser372Thr (NM_001318829.2); c.661T>A, p.Ser221Thr (NM_001318831.2); c.1294T>A, p.Ser432Thr (NM_001318832.2); short protein forms S221T, S372T, S384T, S421T, S432T.
Identifiers: ClinVar variation 948447 (VCV000948447.9), dbSNP rs2086765786, ClinGen allele CA394321801.